The following is an entry in ClinVar:

NM_018896.5(CACNA1G):c.3640C>T (p.Pro1214Ser)

Gene: CACNA1G (calcium voltage-gated channel subunit alpha1 G; plus strand). Cytogenetic location: 17q21.33.
Variant type: single nucleotide variant.
Coding change: c.3640C>T on transcript NM_018896.5 (MANE Select); coding-DNA position 3640, C replaced by T.
Protein change: p.Pro1214Ser; replaces proline 1214 with serine.
Molecular consequence: missense variant. On other transcripts: non-coding transcript variant (5).
Genome position (GRCh38, 1-based): chr17:50,599,809, C>T. VCF-style: chr17-50599809-C-T. GRCh37 (hg19) VCF-style: chr17-48677170-C-T.
Other names: c.3640C>T, p.Pro1214Ser (NM_001256324.2, NM_001256325.2, NM_001256326.2 and 16 more transcripts); c.3571C>T, p.Pro1191Ser (NM_001256332.2, NM_198376.3, NM_198379.3 and 5 more transcripts); short protein forms P1191S, P1214S.
Identifiers: ClinVar variation 1925430 (VCV001925430.5), dbSNP rs752531872, ClinGen allele CA8652768.
Genomic context (GRCh38, chr17:50,599,809, plus strand): 5'-TCTGAGCACCAGGACTGCAATGGCAAGTCGGCTTCAGGGCGCCTGGCCCGGGCCCTGCGG[C>T]CTGATGACCCCCCACTGGATGGGGATGACGCCGATGACGAGGGCAACCTGGTGAGGCCCC-3'
Protein context (NP_061496.2, residues 1204-1224): ASGRLARALR[Pro1214Ser]DDPPLDGDDA

ClinVar aggregate classification (germline): Uncertain significance (1 of 4 stars; one submission).

Allele frequency attached by ClinVar (database versions not stated): gnomAD 0.00001; ExAC 0.00003.
gnomAD v4.1: 15 of 1,611,772 alleles (0.00093%); highest among the groups gnomAD compares: Non-Finnish European, 0.00059%; no homozygotes.

Submission:

Labcorp Genetics (formerly Invitae), Labcorp
Classification: Uncertain significance. Last evaluated: 2022-07-21. Review status: criteria provided, single submitter. Criteria: Invitae Variant Classification Sherloc (09022015). Collection method: clinical testing. Allele origin: germline.
Comment: This variant is present in population databases (rs752531872, gnomAD 0.02%). This variant has not been reported in the literature in individuals affected with CACNA1G-related conditions. Algorithms developed to predict the effect of missense changes on protein structure and function (SIFT, PolyPhen-2, Align-GVGD) all suggest that this variant is likely to be tolerated. This sequence change replaces proline, which is neutral and non-polar, with serine, which is neutral and polar, at codon 1214 of the CACNA1G protein (p.Pro1214Ser). In summary, the available evidence is currently insufficient to determine the role of this variant in disease. Therefore, it has been classified as a Variant of Uncertain Significance.